The following is an entry in ClinVar:

NM_000037.4(ANK1):c.*238T>C

Gene: ANK1 (ankyrin 1; minus strand). Cytogenetic location: 8p11.21.
Variant type: single nucleotide variant.
Coding change: c.*238T>C on transcript NM_000037.4 (MANE Select); 238 bases downstream of the stop codon, T replaced by C.
Molecular consequence: 3 prime UTR variant.
Genome position (GRCh38, 1-based): chr8:41,655,552, A>G on the plus strand (T>C on the coding strand, the complement: ANK1 is on the minus strand). VCF-style: chr8-41655552-A-G. GRCh37 (hg19) VCF-style: chr8-41513071-A-G.
Other names: c.*175T>C (NM_001142445.2, NM_001142446.2, NM_020475.3 and 3 more transcripts); c.*238T>C (NM_020478.5).
Identifiers: ClinVar variation 362978 (VCV000362978.8), dbSNP rs72638944, ClinGen allele CA10627792.
Genomic context (GRCh38, chr8:41,655,552, plus strand): 5'-CTCTCTCCCCGCTTCTTGCTGCTTTTGTGTCCTGGTTCCGACAGATCAGCTGTCATTGCA[A>G]GAGGCAGGATTGAAGCCTGGAGGTCATGCGTCTACAGTCAGTCATTCATGCCAAGAGGGG-3'

ClinVar aggregate classification (germline): Benign/Likely benign. Review status: criteria provided, multiple submitters, no conflicts (2 of 4 stars). 5 submissions from 4 submitters: Benign (3); Likely benign (2). Last evaluated 2021-12-05.

Conditions:
Hereditary spherocytosis type 1. Also called: Spherocytosis type 1; ANK1-Related Spherocytosis. Identifiers: Orphanet 822, MedGen C2674218, MONDO:0008447, OMIM 182900.
Spherocytosis. Identifiers: MedGen C0553720, HP:0004444.

Allele frequency attached by ClinVar (database versions not stated): gnomAD exomes 0.03056; 1000 Genomes Project 0.03874; 1000 Genomes Project 30x 0.03935; gnomAD 0.04478 and 0.04617; TOPMed 0.04825.
gnomAD v4.1: 24,021 of 712,022 alleles (3.4%); highest among the groups gnomAD compares: African/African-American, 8.5%; 576 homozygotes.

Submissions (5):

Genome-Nilou Lab
Classification: Benign for Hereditary spherocytosis type 1. Last evaluated: 2021-12-05. Review status: criteria provided, single submitter. Criteria: ACMG Guidelines, 2015. Collection method: clinical testing. Allele origin: germline. Affected: no.

GeneDx
Classification: Benign. Last evaluated: 2021-06-18. Review status: criteria provided, single submitter. Criteria: GeneDx Variant Classification Process June 2021. Collection method: clinical testing. Allele origin: germline. Affected: yes.

Illumina Laboratory Services, Illumina
Classification: Benign for Hereditary spherocytosis type 1. Last evaluated: 2018-01-13. Review status: criteria provided, single submitter. Criteria: ICSL Variant Classification Criteria 13 December 2019. Collection method: clinical testing. Allele origin: germline.
Comment: This variant was observed in the ICSL laboratory as part of a predisposition screen in an ostensibly healthy population. It had not been previously curated by ICSL or reported in the Human Gene Mutation Database (HGMD: prior to June 1st, 2018), and was therefore a candidate for classification through an automated scoring system. Utilizing variant allele frequency, disease prevalence and penetrance estimates, and inheritance mode, an automated score was calculated to assess if this variant is too frequent to cause the disease. Based on the score and internal cut-off values, a variant classified as benign is not then subjected to further curation. The score for this variant resulted in a classification of benign for this disease.

Illumina Laboratory Services, Illumina
Classification: Likely benign for Spherocytosis. Last evaluated: 2018-01-13. Review status: criteria provided, single submitter. Criteria: ICSL Variant Classification Criteria 13 December 2019. Collection method: clinical testing. Allele origin: germline.
Comment: This variant was observed in the ICSL laboratory as part of a predisposition screen in an ostensibly healthy population. It had not been previously curated by ICSL or reported in the Human Gene Mutation Database (HGMD: prior to June 1st, 2018), and was therefore a candidate for classification through an automated scoring system. Utilizing variant allele frequency, disease prevalence and penetrance estimates, and inheritance mode, an automated score was calculated to assess if this variant is too frequent to cause the disease. Based on the score and internal cut-off values, a variant classified as likely benign is not then subjected to further curation. The score for this variant resulted in a classification of likely benign for this disease.

Breakthrough Genomics
Classification: Likely benign. Review status: criteria provided, single submitter. Criteria: ACMG Guidelines, 2015. Collection method: not provided. Allele origin: germline. Inheritance: Autosomal dominant inheritance. Affected: yes.